The following is an entry in ClinVar:

NM_004304.5(ALK):c.1282+5C>G

Gene: ALK (ALK receptor tyrosine kinase; minus strand). Cytogenetic location: 2p23.2.
Variant type: single nucleotide variant.
Coding change: c.1282+5C>G on transcript NM_004304.5 (MANE Select); 5 bases into the intron after coding-DNA position 1282, C replaced by G.
Molecular consequence: intron variant.
Genome position (GRCh38, 1-based): chr2:29,383,727, G>C on the plus strand (C>G on the coding strand, the complement: ALK is on the minus strand). VCF-style: chr2-29383727-G-C. GRCh37 (hg19) VCF-style: chr2-29606593-G-C.
Identifiers: ClinVar variation 1025554 (VCV001025554.8), dbSNP rs1668960950, ClinGen allele CA1241165066.

ClinVar aggregate classification (germline): Uncertain significance (1 of 4 stars; one submission).

Conditions:
Neuroblastoma, susceptibility to, 3. Also called: ALK-Related Neuroblastic Tumor Susceptibility. Identifiers: Orphanet 635, MedGen C2751681, MONDO:0013083, OMIM 613014.

Submission:

Labcorp Genetics (formerly Invitae), Labcorp
Classification: Uncertain significance for Neuroblastoma, susceptibility to, 3. Last evaluated: 2022-07-12. Review status: criteria provided, single submitter. Criteria: Invitae Variant Classification Sherloc (09022015). Collection method: clinical testing. Allele origin: germline.
Comment: In summary, the available evidence is currently insufficient to determine the role of this variant in disease. Therefore, it has been classified as a Variant of Uncertain Significance. Variants that disrupt the consensus splice site are a relatively common cause of aberrant splicing (PMID: 17576681, 9536098). Algorithms developed to predict the effect of sequence changes on RNA splicing suggest that this variant is not likely to affect RNA splicing. ClinVar contains an entry for this variant (Variation ID: 1025554). This variant has not been reported in the literature in individuals affected with ALK-related conditions. This variant is not present in population databases (gnomAD no frequency). This sequence change falls in intron 5 of the ALK gene. It does not directly change the encoded amino acid sequence of the ALK protein. It affects a nucleotide within the consensus splice site.

Literature cited by the submitters: PubMed 17576681; PubMed 9536098.